The following is an entry in ClinVar:

NM_138694.4(PKHD1):c.5556T>C (p.His1852=)

Gene: PKHD1 (PKHD1 ciliary IPT domain containing fibrocystin/polyductin; minus strand). Cytogenetic location: 6p12.2.
Variant type: single nucleotide variant.
Coding change: c.5556T>C on transcript NM_138694.4 (MANE Select); coding-DNA position 5556, T replaced by C.
Protein change: p.His1852=; no amino-acid change (histidine 1852 retained).
Molecular consequence: synonymous variant.
Genome position (GRCh38, 1-based): chr6:52,017,454, A>G on the plus strand (T>C on the coding strand, the complement: PKHD1 is on the minus strand). VCF-style: chr6-52017454-A-G. GRCh37 (hg19) VCF-style: chr6-51882252-A-G.
Other names: c.5556T>C, p.His1852= (NM_170724.3).
Identifiers: ClinVar variation 700727 (VCV000700727.13), dbSNP rs549418638, ClinGen allele CA3852492.

ClinVar aggregate classification (germline): Likely benign. Review status: criteria provided, multiple submitters, no conflicts (2 of 4 stars). 4 submissions from 4 submitters: Likely benign (3). 1 of the submissions does not count toward it. Last evaluated 2026-05-11.

Conditions:
Autosomal recessive polycystic kidney disease (ARPKD). Also called: AR polycystic kidney disease. Identifiers: Orphanet 731, Orphanet 8378, MedGen C0085548, MeSH D017044, MONDO:0009889.
PKHD1-related disorder. Also called: PKHD1-related condition.

Allele frequency attached by ClinVar (database versions not stated): gnomAD 0.00001 and 0.00002; gnomAD exomes 0.00001; ExAC 0.00002; TOPMed 0.00007; 1000 Genomes Project 30x 0.00016; 1000 Genomes Project 0.00020.
gnomAD v4.1: 22 of 1,614,164 alleles (0.0014%); highest among the groups gnomAD compares: East Asian, 0.0067%; no homozygotes.

Submissions (4):

PreventionGenetics, part of Exact Sciences
Classification: Likely benign for PKHD1-related condition. Last evaluated: 2026-05-11. Review status: criteria provided, single submitter. Criteria: ACMG Guidelines, 2015. Collection method: clinical testing. Allele origin: germline.
Comment: This variant is classified as likely benign based on ACMG/AMP sequence variant interpretation guidelines (Richards et al. 2015 PMID: 25741868, with internal and published modifications).

Labcorp Genetics (formerly Invitae), Labcorp
Classification: Likely benign for Autosomal recessive polycystic kidney disease. Last evaluated: 2025-12-26. Review status: criteria provided, single submitter. Criteria: Invitae Variant Classification Sherloc (09022015). Collection method: clinical testing. Allele origin: germline.

Women's Health and Genetics/Laboratory Corporation of America, LabCorp
Classification: Likely benign. Last evaluated: 2020-08-07. Review status: criteria provided, single submitter. Criteria: LabCorp Variant Classification Summary - May 2015. Collection method: clinical testing. Allele origin: germline.

Natera, Inc.
Classification: Uncertain significance for Autosomal recessive polycystic kidney disease. Last evaluated: 2019-07-10. Review status: no assertion criteria provided. Collection method: clinical testing. Allele origin: germline. Not counted in ClinVar's aggregate classification.